The following is an entry in ClinVar:

ClinVar aggregate classification (germline): Uncertain significance (1 of 4 stars; one submission).

Conditions:
Hereditary cancer-predisposing syndrome. Also called: Neoplastic Syndromes, Hereditary; Tumor predisposition; Hereditary neoplastic syndrome; Hereditary Cancer Syndrome. Identifiers: Orphanet 140162, MedGen C0027672, MeSH D009386, MONDO:0015356.

Submission:

Ambry Genetics
Classification: Uncertain significance for Hereditary cancer-predisposing syndrome. Last evaluated: 2026-07-07. Review status: criteria provided, single submitter. Criteria: Ambry Variant Classification Scheme 2023. Collection method: clinical testing. Allele origin: germline.
Comment: The p.G222E variant (also known as c.665G>A), located in coding exon 3 of the PHOX2B gene, results from a G to A substitution at nucleotide position 665. The glycine at codon 222 is replaced by glutamic acid, an amino acid with similar properties. This amino acid position is conserved. In addition, the in silico prediction for this alteration is inconclusive. Based on the available evidence, the clinical significance of this variant remains unclear.

NM_003924.4(PHOX2B):c.665G>A (p.Gly222Glu)

Gene: PHOX2B (paired like homeobox 2B; minus strand). Cytogenetic location: 4p13.
Variant type: single nucleotide variant.
Coding change: c.665G>A on transcript NM_003924.4 (MANE Select); coding-DNA position 665, G replaced by A.
Protein change: p.Gly222Glu; replaces glycine 222 with glutamic acid.
Molecular consequence: missense variant.
Genome position (GRCh38, 1-based): chr4:41,746,087, C>T on the plus strand (G>A on the coding strand, the complement: PHOX2B is on the minus strand). VCF-style: chr4-41746087-C-T. GRCh37 (hg19) VCF-style: chr4-41748104-C-T.
Other names: short protein forms G222E.
Identifiers: ClinVar variation 5026593 (VCV005026593.1).
Genomic context (GRCh38, chr4:41,746,087, plus strand): 5'-GCTGCGCCGCCCTTGCCGGGTTCGCCTCCCGGGCCCCCGGGCCCCGCCGCCCCCGGAGCT[C>T]CAGCCGGGCTGGGCCCGCCGCCGCCGCCTCCATTCGCCCCGCAGCTGGGGGTGGGGTTGG-3'
Protein context (NP_003915.2, residues 212-232): GGGGGGPSPA[Gly222Glu]APGAAGPGGP